The following is an entry in ClinVar:

ClinVar aggregate classification (germline): Uncertain significance (1 of 4 stars; one submission).

Allele frequency attached by ClinVar (database versions not stated): gnomAD exomes below 0.00001; ExAC 0.00001.
gnomAD v4.1: 1 of 1,610,438 alleles (0.000062%); highest among the groups gnomAD compares: South Asian, 0.0011%; no homozygotes.

Submission:

CeGaT Center for Human Genetics Tuebingen
Classification: Uncertain significance. Last evaluated: 2024-03-01. Review status: criteria provided, single submitter. Criteria: CeGaT Center For Human Genetics Tuebingen Variant Classification Criteria Version 2. Collection method: clinical testing. Allele origin: germline. Affected: yes. Observed: 1 variant allele.
Comment: ADGRV1: PM2, BP4

NM_032119.4(ADGRV1):c.12406A>T (p.Ser4136Cys)

Gene: ADGRV1 (adhesion G protein-coupled receptor V1; plus strand). Cytogenetic location: 5q14.3.
Variant type: single nucleotide variant.
Coding change: c.12406A>T on transcript NM_032119.4 (MANE Select); coding-DNA position 12406, A replaced by T.
Protein change: p.Ser4136Cys; replaces serine 4136 with cysteine.
Molecular consequence: missense variant. On other transcripts: non-coding transcript variant (1).
Genome position (GRCh38, 1-based): chr5:90,776,455, A>T. VCF-style: chr5-90776455-A-T. GRCh37 (hg19) VCF-style: chr5-90072272-A-T.
Other names: short protein forms S4136C.
Identifiers: ClinVar variation 3067676 (VCV003067676.21), dbSNP rs774627909, ClinGen allele CA3341243.